The following is an entry in ClinVar:

ClinVar aggregate classification (germline): Uncertain significance. Review status: criteria provided, multiple submitters, no conflicts (2 of 4 stars). 2 submissions from 2 submitters: Uncertain significance (2). Last evaluated 2024-01-11.

Conditions:
Hereditary cancer-predisposing syndrome. Also called: Neoplastic Syndromes, Hereditary; Tumor predisposition; Hereditary Cancer Syndrome; Hereditary neoplastic syndrome. Identifiers: Orphanet 140162, MedGen C0027672, MeSH D009386, MONDO:0015356.

Submissions (2):

Ambry Genetics
Classification: Uncertain significance for Hereditary cancer-predisposing syndrome. Last evaluated: 2024-01-11. Review status: criteria provided, single submitter. Criteria: Ambry Variant Classification Scheme 2023. Collection method: clinical testing. Allele origin: germline.
Comment: The p.I1212V variant (also known as c.3634A>G), located in coding exon 24 of the RAD50 gene, results from an A to G substitution at nucleotide position 3634. The isoleucine at codon 1212 is replaced by valine, an amino acid with highly similar properties. This amino acid position is conserved. In addition, the in silico prediction for this alteration is inconclusive. Since supporting evidence is limited at this time, the clinical significance of this alteration remains unclear.

Labcorp Genetics (formerly Invitae), Labcorp
Classification: Uncertain significance for Hereditary cancer-predisposing syndrome. Last evaluated: 2023-08-28. Review status: criteria provided, single submitter. Criteria: Invitae Variant Classification Sherloc (09022015). Collection method: clinical testing. Allele origin: germline.
Comment: This sequence change replaces isoleucine, which is neutral and non-polar, with valine, which is neutral and non-polar, at codon 1212 of the RAD50 protein (p.Ile1212Val). This variant is not present in population databases (gnomAD no frequency). This variant has not been reported in the literature in individuals affected with RAD50-related conditions. ClinVar contains an entry for this variant (Variation ID: 457461). Advanced modeling of protein sequence and biophysical properties (such as structural, functional, and spatial information, amino acid conservation, physicochemical variation, residue mobility, and thermodynamic stability) performed at Invitae indicates that this missense variant is not expected to disrupt RAD50 protein function. In summary, the available evidence is currently insufficient to determine the role of this variant in disease. Therefore, it has been classified as a Variant of Uncertain Significance.

NM_005732.4(RAD50):c.3634A>G (p.Ile1212Val)

Genes: TH2-LCR (Th2 cytokine locus control region; plus strand), TH2LCRR (T helper type 2 locus control region associated RNA; minus strand), RAD50 (RAD50 double strand break repair protein; plus strand). Cytogenetic location: 5q31.1.
Variant type: single nucleotide variant.
Coding change: c.3634A>G on transcript NM_005732.4 (MANE Select); coding-DNA position 3634, A replaced by G.
Protein change: p.Ile1212Val; replaces isoleucine 1212 with valine.
Molecular consequence: missense variant.
Genome position (GRCh38, 1-based): chr5:132,640,687, A>G. VCF-style: chr5-132640687-A-G. GRCh37 (hg19) VCF-style: chr5-131976379-A-G.
Other names: short protein forms I1212V.
Identifiers: ClinVar variation 457461 (VCV000457461.12), dbSNP rs1554101170, ClinGen allele CA360933638.